The following is an entry in ClinVar:

ClinVar aggregate classification (germline): Uncertain significance (1 of 4 stars; one submission).

Conditions:
Neurofibromatosis, type 1 (NF1). Also called: VON RECKLINGHAUSEN DISEASE; Peripheral type neurofibromatosis; Neurofibromatosis, type I; NEUROFIBROMATOSIS, TYPE I, SOMATIC. Identifiers: Orphanet 636, MedGen C0027831, MONDO:0018975, OMIM 162200. Disease mechanism: loss of function.

Submission:

Labcorp Genetics (formerly Invitae), Labcorp
Classification: Uncertain significance for Neurofibromatosis, type 1. Last evaluated: 2021-11-11. Review status: criteria provided, single submitter. Criteria: Invitae Variant Classification Sherloc (09022015). Collection method: clinical testing. Allele origin: germline.
Comment: In summary, the available evidence is currently insufficient to determine the role of this variant in disease. Therefore, it has been classified as a Variant of Uncertain Significance. Variants that disrupt the consensus splice site are a relatively common cause of aberrant splicing (PMID: 17576681, 9536098). Algorithms developed to predict the effect of sequence changes on RNA splicing suggest that this variant may disrupt the consensus splice site. This variant has not been reported in the literature in individuals affected with NF1-related conditions. This variant is not present in population databases (gnomAD no frequency). This sequence change falls in intron 34 of the NF1 gene. It does not directly change the encoded amino acid sequence of the NF1 protein. It affects a nucleotide within the consensus splice site.

Literature cited by the submitters: PubMed 17576681; PubMed 9536098.

NM_001042492.3(NF1):c.4724+2_4724+3insTTT

Gene: NF1 (neurofibromin 1; plus strand). Cytogenetic location: 17q11.2.
Variant type: Insertion.
Coding change: c.4724+2_4724+3insTTT on transcript NM_001042492.3 (MANE Select); the canonical splice donor site of the intron after coding-DNA position 4724 through 3 bases into the intron after coding-DNA position 4724, TTT inserted.
Molecular consequence: splice donor variant.
Genome position: GRCh38 VCF-style: chr17-31261858-G-GTTT. GRCh37 (hg19) VCF-style: chr17-29588876-G-GTTT.
Other names: c.4661+2_4661+3insTTT (NM_000267.4).
Identifiers: ClinVar variation 1350768 (VCV001350768.6), dbSNP rs2151466559, ClinGen allele CA2573153659.
Genomic context (GRCh38, chr17:31,261,858, plus strand): 5'-AGATACACACTGGTCCAGCCTTAACCTTACCAGTTCAAAGTTTGAGGAATTTATGACTAG[G>GTTT]TAAAGTACAACCTTGAAATAGTTGATTGCTTTCTTTTTGGTTGAGAAGGAGAGTTTGCCA-3'